The following is an entry in ClinVar:

NM_006904.7(PRKDC):c.59C>T (p.Ser20Phe)

Genes: PRKDC (protein kinase, DNA-activated, catalytic subunit; minus strand), LOC129929030 (ATAC-STARR-seq lymphoblastoid silent region 19177; plus strand). Cytogenetic location: 8q11.21.
Variant type: single nucleotide variant.
Coding change: c.59C>T on transcript NM_006904.7 (MANE Select); coding-DNA position 59, C replaced by T.
Protein change: p.Ser20Phe; replaces serine 20 with phenylalanine.
Molecular consequence: missense variant.
Genome position (GRCh38, 1-based): chr8:47,960,068, G>A on the plus strand (C>T on the coding strand, the complement: PRKDC is on the minus strand). VCF-style: chr8-47960068-G-A. GRCh37 (hg19) VCF-style: chr8-48872628-G-A.
Other names: c.59C>T, p.Ser20Phe (NM_001081640.2); short protein forms S20F.
Identifiers: ClinVar variation 3225880 (VCV003225880.1), dbSNP rs2551882743, ClinGen allele CA371142951.

ClinVar aggregate classification (germline): Uncertain significance (1 of 4 stars; one submission).

Submission:

Ambry Genetics
Classification: Uncertain significance. Last evaluated: 2024-02-16. Review status: criteria provided, single submitter. Criteria: Ambry Variant Classification Scheme 2023. Collection method: clinical testing. Allele origin: germline.
Comment: The p.S20F variant (also known as c.59C>T), located in coding exon 1 of the PRKDC gene, results from a C to T substitution at nucleotide position 59. The serine at codon 20 is replaced by phenylalanine, an amino acid with highly dissimilar properties. This amino acid position is conserved. In addition, this alteration is predicted to be tolerated by in silico analysis. Based on the available evidence, the clinical significance of this alteration remains unclear.